The following is an entry in ClinVar:

NM_001103.4(ACTN2):c.1103T>A (p.Val368Glu)

Gene: ACTN2 (actinin alpha 2; plus strand). Cytogenetic location: 1q43.
Variant type: single nucleotide variant.
Coding change: c.1103T>A on transcript NM_001103.4 (MANE Select); coding-DNA position 1103, T replaced by A.
Protein change: p.Val368Glu; replaces valine 368 with glutamic acid.
Molecular consequence: missense variant. On other transcripts: non-coding transcript variant (1).
Genome position (GRCh38, 1-based): chr1:236,739,528, T>A. VCF-style: chr1-236739528-T-A. GRCh37 (hg19) VCF-style: chr1-236902828-T-A.
Other names: c.1103T>A, p.Val368Glu (NM_001278343.2); short protein forms V368E.
Identifiers: ClinVar variation 4221901 (VCV004221901.1).
Genomic context (GRCh38, chr1:236,739,528, plus strand): 5'-TGCAGACCAAGCTGCGGATCAGCAACCGTCCTGCCTTCATGCCCTCCGAGGGCAAGATGG[T>A]GTCGGTGAGTAGCAAGCGCCAAGCCCTCCTGGCGCCACGGGAAGCCCTCCTTCTAGCCTA-3'
Protein context (NP_001094.1, residues 358-378): PAFMPSEGKM[Val368Glu]SDIAGAWQRL

ClinVar aggregate classification (germline): Uncertain significance (1 of 4 stars; one submission).

Conditions:
Cardiovascular phenotype. Identifiers: MedGen CN230736.

Submission:

Ambry Genetics
Classification: Uncertain significance for Cardiovascular phenotype. Last evaluated: 2025-07-03. Review status: criteria provided, single submitter. Criteria: Ambry Variant Classification Scheme 2023. Collection method: clinical testing. Allele origin: germline.
Comment: The p.V368E variant (also known as c.1103T>A), located in coding exon 10 of the ACTN2 gene, results from a T to A substitution at nucleotide position 1103. The valine at codon 368 is replaced by glutamic acid, an amino acid with dissimilar properties. This amino acid position is conserved. In addition, this alteration is predicted to be deleterious by in silico analysis. Based on the available evidence, the clinical significance of this variant remains unclear.